The following is an entry in ClinVar:

ClinVar aggregate classification (germline): Uncertain significance (1 of 4 stars; one submission).

Allele frequency attached by ClinVar (database versions not stated): gnomAD exomes below 0.00001.
gnomAD v4.1: 1 of 1,614,080 alleles (0.000062%); highest among the groups gnomAD compares: African/African-American, 0.0013%; no homozygotes.

Submission:

GeneDx
Classification: Uncertain significance. Last evaluated: 2022-10-08. Review status: criteria provided, single submitter. Criteria: GeneDx Variant Classification Process June 2021. Collection method: clinical testing. Allele origin: germline. Affected: yes.
Comment: Not observed at significant frequency in large population cohorts (gnomAD); In silico analysis supports that this missense variant does not alter protein structure/function; Has not been previously published as pathogenic or benign to our knowledge

NM_014991.6(WDFY3):c.2015G>T (p.Gly672Val)

Genes: WDFY3 (WD repeat and FYVE domain containing 3; minus strand), WDFY3-AS1 (WDFY3 antisense RNA 1; plus strand). Cytogenetic location: 4q21.23.
Variant type: single nucleotide variant.
Coding change: c.2015G>T on transcript NM_014991.6 (MANE Select); coding-DNA position 2015, G replaced by T.
Protein change: p.Gly672Val; replaces glycine 672 with valine.
Molecular consequence: missense variant. On other transcripts: non-coding transcript variant (1).
Genome position (GRCh38, 1-based): chr4:84,810,217, C>A on the plus strand (G>T on the coding strand, the complement: WDFY3 is on the minus strand). VCF-style: chr4-84810217-C-A. GRCh37 (hg19) VCF-style: chr4-85731370-C-A.
Other names: short protein forms G672V.
Identifiers: ClinVar variation 2497904 (VCV002497904.1), dbSNP rs2534283567, ClinGen allele CA357568694.
Genomic context (GRCh38, chr4:84,810,217, plus strand): 5'-AACGTGCAGAACACAGTGTGAAGAAGTTCAAACACTTGATTCTGGTTCACTTTCTCCCAG[C>A]CATTCTTGGGTGGACAGCTCAAAGATCTTTCCATAGCAACGAGCAAGGATGTAATGTACA-3'
Protein context (NP_055806.2, residues 662-682): ERSLSCPPKN[Gly672Val]WEKVNQNQVF